The following is an entry in ClinVar:

NM_001114753.3(ENG):c.706_708del (p.Val236del)

Gene: ENG (endoglin; minus strand). Cytogenetic location: 9q34.11.
Variant type: Deletion.
Coding change: c.706_708del on transcript NM_001114753.3 (MANE Select); coding-DNA positions 706 to 708, 3 bases deleted (GTG; older notation c.706_708delGTG).
Protein change: p.Val236del; deletes valine 236.
Molecular consequence: inframe deletion. On other transcripts: inframe indel (2).
Genome position (GRCh38, 1-based): chr9:127,825,339-127,825,341, CAC deleted on the plus strand (GTG on the coding strand, the reverse complement: ENG is on the minus strand); deleting any 3 consecutive bases within chr9:127,825,339-127,825,342 gives the same sequence; the c. name uses the placement nearest the transcript's 3' end. VCF-style (leftmost placement, unchanged base first): chr9-127825338-TCAC-T. GRCh37 (hg19) VCF-style: chr9-130587617-TCAC-T.
Other names: c.706_708delGTG (NM_001114753.1); c.705_707delGGT, p.Val236del (NM_000118.4, NM_001406715.1); c.160_162del, p.Val54del (NM_001278138.2); short protein forms V236del, V54del.
Identifiers: ClinVar variation 419983 (VCV000419983.8), dbSNP rs1064794221, ClinGen allele CA16618751.
Genomic context (GRCh38, chr9:127,825,338, plus strand): 5'-GGGGACCCTGCAGGATGAGGACGGCATCGAGATCCCCGGGTGCGCAGCTCAGTTCCACCT[TCAC>T]CGTCACCGTCCGGGGCCTGCGGGGAGACAGACGCGGATGGAACACTGAAGCGGACAGGCC-3'

ClinVar aggregate classification (germline): Conflicting classifications of pathogenicity. Review status: criteria provided, conflicting classifications (1 of 4 stars). 3 submissions from 3 submitters: Pathogenic (1); Likely pathogenic (1); Uncertain significance (1). Last evaluated 2025-04-19.

Conditions:
Hereditary hemorrhagic telangiectasia (HHT). Also called: ORW DISEASE; Osler Weber Rendu syndrome; OSLER-RENDU-WEBER DISEASE; Osler hemorrhagic telangiectasia syndrome. Identifiers: Orphanet 774, MedGen C0039445, MONDO:0019180. Disease mechanism: loss of function.
Cardiovascular phenotype. Identifiers: MedGen CN230736.

Submissions (3):

Ambry Genetics
Classification: Likely pathogenic for Cardiovascular phenotype. Last evaluated: 2025-04-19. Review status: criteria provided, single submitter. Criteria: Ambry Variant Classification Scheme 2023. Collection method: clinical testing. Allele origin: germline.
Comment: The c.706_708delGTG variant (also known as p.V236del) is located in coding exon 6 of the ENG gene. This variant results from an in-frame GTG deletion at nucleotide positions 706 to 708. This results in the in-frame deletion of a valine at codon 236. This variant was reported in individual(s) with features consistent with hereditary hemorrhagic telangiectasia (HHT) (Brakensiek K et al. Clin Genet, 2008 Aug;74:171-7; Ambry internal data). This variant is considered to be rare based on population cohorts in the Genome Aggregation Database (gnomAD). This amino acid position is highly conserved in available vertebrate species. In addition, this alteration is predicted to be deleterious by in silico analysis (Choi Y et al. PLoS ONE. 2012; 7(10):e46688). Based on the majority of available evidence to date, this variant is likely to be pathogenic.

Labcorp Genetics (formerly Invitae), Labcorp
Classification: Pathogenic for Hereditary hemorrhagic telangiectasia. Last evaluated: 2023-05-19. Review status: criteria provided, single submitter. Criteria: Invitae Variant Classification Sherloc (09022015). Collection method: clinical testing. Allele origin: germline.
Comment: ClinVar contains an entry for this variant (Variation ID: 419983). For these reasons, this variant has been classified as Pathogenic. This variant disrupts a region of the ENG protein in which other variant(s) (p.Val236Glu) have been determined to be pathogenic (Invitae). This suggests that this is a clinically significant region of the protein, and that variants that disrupt it are likely to be disease-causing. This variant is also known as c.705_707delGGT. This variant has been observed in individual(s) with hereditary hemorrhagic telangiectasia (PMID: 18498373). This variant is not present in population databases (gnomAD no frequency). This variant, c.706_708del, results in the deletion of 1 amino acid(s) of the ENG protein (p.Val236del), but otherwise preserves the integrity of the reading frame.

GeneDx
Classification: Uncertain significance. Last evaluated: 2017-03-08. Review status: criteria provided, single submitter. Criteria: GeneDx Variant Classification (06012015). Collection method: clinical testing. Allele origin: germline. Affected: yes.
Comment: This variant is not observed in large population cohorts (Lek et al., 2016; 1000 Genomes Consortium et al., 2015; Exome Variant Server). The c.706_708delGTG variant results in the deletion of a single Valine residue at codon 236, denoted p.Val236del. This Valine residue is conserved across species, and in silico analysis predicts this variant is probably damaging to the protein structure/function. In addition, other in-frame deletions in the ENG gene have been reported in the Human Gene Mutation Database in association with HHT (Stenson et al., 2014). However, the c.706_708delGTG variant lacks observation in a significant number of affected individuals, segregation data, and functional evidence, which would further clarify its pathogenicity.

Literature cited by the submitters: PubMed 18498373 (cited by Ambry Genetics and Labcorp Genetics (formerly Invitae), Labcorp).